The following is an entry in ClinVar:

NM_000059.4(BRCA2):c.5968G>A (p.Asp1990Asn)

Gene: BRCA2 (BRCA2 DNA repair associated; plus strand). Cytogenetic location: 13q13.1.
Variant type: single nucleotide variant.
Coding change: c.5968G>A on transcript NM_000059.4 (MANE Select); coding-DNA position 5968, G replaced by A.
Protein change: p.Asp1990Asn; replaces aspartic acid 1990 with asparagine.
Molecular consequence: missense variant.
Genome position (GRCh38, 1-based): chr13:32,340,323, G>A. VCF-style: chr13-32340323-G-A. GRCh37 (hg19) VCF-style: chr13-32914460-G-A.
Other names: short protein forms D1990N.
Identifiers: ClinVar variation 630816 (VCV000630816.20), dbSNP rs1566233648, ClinGen allele CA387787620.

ClinVar aggregate classification (germline): Conflicting classifications of pathogenicity. Review status: criteria provided, conflicting classifications (1 of 4 stars). 5 submissions from 5 submitters: Uncertain significance (4); Likely benign (1). Last evaluated 2025-03-11.

Conditions:
Hereditary cancer-predisposing syndrome. Also called: Hereditary Cancer Syndrome; Neoplastic Syndromes, Hereditary; Tumor predisposition; Hereditary neoplastic syndrome. Identifiers: Orphanet 140162, MedGen C0027672, MeSH D009386, MONDO:0015356.
Hereditary breast ovarian cancer syndrome. Also called: Hereditary breast and ovarian cancer syndrome; Hereditary breast and ovarian cancer syndrome (HBOC); Hereditary breast and ovarian cancer; Hereditary breast and/or ovarian cancer syndrome; Breast and ovarian cancer; BRCA1- and BRCA2-Associated Hereditary Breast and Ovarian Cancer. Identifiers: Orphanet 145, MedGen C0677776, MeSH D061325, MONDO:0003582. Disease mechanism: loss of function.
Breast-ovarian cancer, familial, susceptibility to, 2 (BROVCA2). Also called: BRCA2 Hereditary Breast and Ovarian Cancer. Identifiers: Orphanet 145, MedGen C2675520, MONDO:0012933, OMIM 612555. Disease mechanism: loss of function.

Submissions (5):

Labcorp Genetics (formerly Invitae), Labcorp
Classification: Uncertain significance for Hereditary breast ovarian cancer syndrome. Last evaluated: 2025-03-11. Review status: criteria provided, single submitter. Criteria: Invitae Variant Classification Sherloc (09022015). Collection method: clinical testing. Allele origin: germline.
Comment: This sequence change replaces aspartic acid, which is acidic and polar, with asparagine, which is neutral and polar, at codon 1990 of the BRCA2 protein (p.Asp1990Asn). This variant is not present in population databases (gnomAD no frequency). This variant has not been reported in the literature in individuals affected with BRCA2-related conditions. ClinVar contains an entry for this variant (Variation ID: 630816). Invitae Evidence Modeling of protein sequence and biophysical properties (such as structural, functional, and spatial information, amino acid conservation, physicochemical variation, residue mobility, and thermodynamic stability) indicates that this missense variant is not expected to disrupt BRCA2 protein function with a negative predictive value of 95%. In summary, the available evidence is currently insufficient to determine the role of this variant in disease. Therefore, it has been classified as a Variant of Uncertain Significance.

Ambry Genetics
Classification: Uncertain significance for Hereditary cancer-predisposing syndrome. Last evaluated: 2024-10-24. Review status: criteria provided, single submitter. Criteria: Ambry Variant Classification Scheme 2023. Collection method: clinical testing. Allele origin: germline.
Comment: The p.D1990N variant (also known as c.5968G>A), located in coding exon 10 of the BRCA2 gene, results from a G to A substitution at nucleotide position 5968. The aspartic acid at codon 1990 is replaced by asparagine, an amino acid with highly similar properties. This amino acid position is not well conserved in available vertebrate species. In addition, this alteration is predicted to be tolerated by in silico analysis. Since supporting evidence is limited at this time, the clinical significance of this alteration remains unclear.

Color Diagnostics, LLC DBA Color Health
Classification: Uncertain significance for Hereditary cancer-predisposing syndrome. Last evaluated: 2024-08-14. Review status: criteria provided, single submitter. Criteria: ACMG Guidelines, 2015. Collection method: clinical testing. Allele origin: germline.
Comment: This missense variant replaces aspartic acid with asparagine at codon 1990 of the BRCA2 protein. Computational prediction suggests that this variant may not impact protein structure and function. To our knowledge, functional studies have not been reported for this variant. This variant has been detected in a breast cancer case-control meta-analysis in 0/60466 cases and 1/53461 unaffected individuals (PMID: 33471991; Leiden Open Variation Database DB-ID BRCA2_008382). This variant has not been identified in the general population by the Genome Aggregation Database (gnomAD). The available evidence is insufficient to determine the role of this variant in disease conclusively. Therefore, this variant is classified as a Variant of Uncertain Significance.

All of Us Research Program, National Institutes of Health
Classification: Uncertain significance for Breast-ovarian cancer, familial, susceptibility to, 2. Last evaluated: 2023-03-23. Review status: criteria provided, single submitter. Criteria: ACMG Guidelines, 2015. Collection method: clinical testing. Allele origin: germline. Inheritance: Autosomal dominant inheritance. Observed: 1 variant allele, 1 heterozygote.
Comment: This missense variant replaces aspartic acid with asparagine at codon 1990 of the BRCA2 protein. Computational prediction suggests that this variant may not impact protein structure and function (internally defined REVEL score threshold <= 0.5, PMID: 27666373). To our knowledge, functional studies have not been reported for this variant. This variant has not been reported in individuals affected with BRCA2-related disorders in the literature. This variant has not been identified in the general population by the Genome Aggregation Database (gnomAD). The available evidence is insufficient to determine the role of this variant in disease conclusively. Therefore, this variant is classified as a Variant of Uncertain Significance.

This study involves interpretation of variants in research participants for the purpose of population health screening. Participant phenotype was not available at the time of variant classification. Additional details can be found in publication PMID: 35346344, PMCID: PMC8962531

University of Washington Department of Laboratory Medicine, University of Washington
Classification: Likely benign for Hereditary cancer-predisposing syndrome. Last evaluated: 2023-03-23. Review status: criteria provided, single submitter. Criteria: Dines et al. (Genet Med. 2020). Collection method: curation. Allele origin: germline.
Comment: Missense variant in a coldspot region where missense variants are very unlikely to be pathogenic (PMID:31911673).

BRCA2 exon 11 coldspot. Reclassification based on statistical prior probability.

Literature cited by the submitters: PubMed 33471991 (cited by Color Diagnostics, LLC DBA Color Health).